The following is an entry in ClinVar:

ClinVar aggregate classification (germline): Conflicting classifications of pathogenicity. Review status: criteria provided, conflicting classifications (1 of 4 stars). 6 submissions from 6 submitters: Likely pathogenic (1); Uncertain significance (4). 1 of the submissions does not count toward it. Last evaluated 2025-07-24.

Conditions:
Inborn genetic diseases. Identifiers: MedGen C0950123, MeSH D030342.
Progressive myoclonic epilepsy type 3. Also called: EPILEPSY, PROGRESSIVE MYOCLONIC, 3, WITH OR WITHOUT INTRACELLULAR INCLUSIONS; CEROID LIPOFUSCINOSIS, NEURONAL, 14; EPILEPSY, PROGRESSIVE MYOCLONIC, 3, WITHOUT INTRACELLULAR INCLUSIONS; KCTD7-Related Progressive Myoclonic Epilepsy. Identifiers: Orphanet 263516, MedGen C2673257, MONDO:0012721, OMIM 611726.
Epileptic encephalopathy. Identifiers: HP:0200134, MedGen C0543888.
Intellectual disability. Also called: Intellectual functioning disability; Intellectual developmental disorder; intellectual disabilities. Identifiers: MedGen C3714756, MeSH D008607, MONDO:0001071, HP:0001249.

Allele frequency attached by ClinVar (database versions not stated): TOPMed 0.00009; gnomAD 0.00013; ESP Exome Variant Server 0.00008.
gnomAD v4.1: 219 of 1,614,102 alleles (0.014%); highest among the groups gnomAD compares: Non-Finnish European, 0.018%; no homozygotes.

Submissions (6):

Women's Health and Genetics/Laboratory Corporation of America, LabCorp
Classification: Uncertain significance. Last evaluated: 2025-07-24. Review status: criteria provided, single submitter. Criteria: LabCorp Variant Classification Summary - May 2015. Collection method: clinical testing. Allele origin: germline.
Comment: Variant summary: KCTD7 c.362G>T (p.Arg121Leu) results in a non-conservative amino acid change located in the BTB/POZ domain (IPR000210) of the encoded protein sequence. Algorithms developed to predict the effect of missense changes on protein structure and function are either unavailable or do not agree on the potential impact of this missense change. The variant allele was found at a frequency of 3.2e-05 in 251460 control chromosomes (gnomAD). c.362G>T has been reported in the literature in the compound heterozygous state in two siblings affected with progressive myoclonic epilepsy (Metz_2018), and in at least one other individual, suspected of a neurodevelopmental disorder who was affected with seizures (Turro_2020, Sanchis-Juan_2023). These data indicate that the variant may be associated with disease. To our knowledge, no experimental evidence demonstrating an impact on protein function has been reported. The following publications have been ascertained in the context of this evaluation (PMID: 30295347, 37541188, 32581362). ClinVar contains an entry for this variant (Variation ID: 206020). Based on the evidence outlined above, the variant was classified as VUS-possibly pathogenic.

Labcorp Genetics (formerly Invitae), Labcorp
Classification: Uncertain significance for Progressive myoclonic epilepsy type 3. Last evaluated: 2022-08-05. Review status: criteria provided, single submitter. Criteria: Invitae Variant Classification Sherloc (09022015). Collection method: clinical testing. Allele origin: germline.
Comment: This sequence change replaces arginine, which is basic and polar, with leucine, which is neutral and non-polar, at codon 121 of the KCTD7 protein (p.Arg121Leu). This variant is present in population databases (rs199624315, gnomAD 0.01%). This missense change has been observed in individual(s) with KCTD7-related conditions (PMID: 30295347, 32581362). It has also been observed to segregate with disease in related individuals. ClinVar contains an entry for this variant (Variation ID: 206020). Algorithms developed to predict the effect of missense changes on protein structure and function are either unavailable or do not agree on the potential impact of this missense change (SIFT: "Deleterious"; PolyPhen-2: "Benign"; Align-GVGD: "Class C25"). In summary, the available evidence is currently insufficient to determine the role of this variant in disease. Therefore, it has been classified as a Variant of Uncertain Significance.

Cambridge Genomics Laboratory, East Genomic Laboratory Hub, NHS Genomic Medicine Service
Classification: Likely pathogenic for Intellectual disability. Last evaluated: 2020-06-18. Review status: criteria provided, single submitter. Criteria: ACGS Best Practice Guidelines for Variant Classification in Rare Disease 2020. Collection method: clinical testing. Allele origin: germline. Affected: yes. Observed: 1 variant allele.

Illumina Laboratory Services, Illumina
Classification: Uncertain significance for Progressive myoclonic epilepsy type 3. Last evaluated: 2018-01-13. Review status: criteria provided, single submitter. Criteria: ICSL Variant Classification Criteria 13 December 2019. Collection method: clinical testing. Allele origin: germline.

Ambry Genetics
Classification: Uncertain significance for Inborn genetic diseases. Last evaluated: 2017-09-12. Review status: criteria provided, single submitter. Criteria: Ambry Variant Classification Scheme 2023. Collection method: clinical testing. Allele origin: germline.
Comment: The p.R121L variant (also known as c.362G>T), located in coding exon 3 of the KCTD7 gene, results from a G to T substitution at nucleotide position 362. The arginine at codon 121 is replaced by leucine, an amino acid with dissimilar properties. This amino acid position is well conserved in available vertebrate species. In addition, the in silico prediction for this alteration is inconclusive. Since supporting evidence is limited at this time, the clinical significance of this alteration remains unclear.

NIHR Bioresource Rare Diseases, University of Cambridge
Classification: Likely pathogenic for Epileptic encephalopathy. Review status: no assertion criteria provided. Collection method: research. Allele origin: unknown. Affected: yes. Observed: 1 variant allele. Not counted in ClinVar's aggregate classification.

Literature cited by the submitters: PubMed 32581362 (cited by 3 submitters); PubMed 30295347 (cited by Women's Health and Genetics/Laboratory Corporation of America, LabCorp and Labcorp Genetics (formerly Invitae), Labcorp); PubMed 37541188 (cited by Women's Health and Genetics/Laboratory Corporation of America, LabCorp).

NM_153033.5(KCTD7):c.362G>T (p.Arg121Leu)

Gene: KCTD7 (potassium channel tetramerization domain containing 7; plus strand). Cytogenetic location: 7q11.21.
Variant type: single nucleotide variant.
Coding change: c.362G>T on transcript NM_153033.5 (MANE Select); coding-DNA position 362, G replaced by T.
Protein change: p.Arg121Leu; replaces arginine 121 with leucine.
Molecular consequence: missense variant.
Genome position (GRCh38, 1-based): chr7:66,638,300, G>T. VCF-style: chr7-66638300-G-T. GRCh37 (hg19) VCF-style: chr7-66103287-G-T.
Other names: c.362G>T, p.Arg121Leu (NM_001167961.2); short protein forms R121L.
Identifiers: ClinVar variation 206020 (VCV000206020.19), dbSNP rs199624315, ClinGen allele CA315702.